The following is an entry in ClinVar:

ClinVar aggregate classification (germline): Likely benign. Review status: criteria provided, multiple submitters, no conflicts (2 of 4 stars). 2 submissions from 2 submitters: Likely benign (2). Last evaluated 2026-01-15.

Allele frequency attached by ClinVar (database versions not stated): ExAC 0.00022; gnomAD exomes 0.00023; gnomAD 0.00030 and 0.00032; 1000 Genomes Project 30x 0.00031; ESP Exome Variant Server 0.00031; TOPMed 0.00031.
gnomAD v4.1: 820 of 1,613,926 alleles (0.051%); highest among the groups gnomAD compares: Non-Finnish European, 0.066%; no homozygotes.

Submissions (2):

Labcorp Genetics (formerly Invitae), Labcorp
Classification: Likely benign. Last evaluated: 2026-01-15. Review status: criteria provided, single submitter. Criteria: Invitae Variant Classification Sherloc (09022015). Collection method: clinical testing. Allele origin: germline.

GeneDx
Classification: Likely benign. Last evaluated: 2016-10-04. Review status: criteria provided, single submitter. Criteria: GeneDx Variant Classification (06012015). Collection method: clinical testing. Allele origin: germline. Affected: yes.
Comment: This variant is considered likely benign or benign based on one or more of the following criteria: it is a conservative change, it occurs at a poorly conserved position in the protein, it is predicted to be benign by multiple in silico algorithms, and/or has population frequency not consistent with disease.

NM_152713.5(STT3A):c.1752C>G (p.Gly584=)

Gene: STT3A (STT3 oligosaccharyltransferase complex catalytic subunit A; plus strand). Cytogenetic location: 11q24.2.
Variant type: single nucleotide variant.
Coding change: c.1752C>G on transcript NM_152713.5 (MANE Select); coding-DNA position 1752, C replaced by G.
Protein change: p.Gly584=; no amino-acid change (glycine 584 retained).
Molecular consequence: synonymous variant.
Genome position (GRCh38, 1-based): chr11:125,614,404, C>G. VCF-style: chr11-125614404-C-G. GRCh37 (hg19) VCF-style: chr11-125484299-C-G.
Other names: c.1752C>G, p.Gly584= (NM_001278503.2); c.1476C>G, p.Gly492= (NM_001278504.2).
Identifiers: ClinVar variation 389366 (VCV000389366.5), dbSNP rs199827787, ClinGen allele CA6349138.